The following is an entry in ClinVar:

NM_004655.4(AXIN2):c.1833G>A (p.Glu611=)

Gene: AXIN2 (axin 2; minus strand). Cytogenetic location: 17q24.1.
Variant type: single nucleotide variant.
Coding change: c.1833G>A on transcript NM_004655.4 (MANE Select); coding-DNA position 1833, G replaced by A.
Protein change: p.Glu611=; no amino-acid change (glutamic acid 611 retained).
Molecular consequence: synonymous variant. On other transcripts: intron variant (1).
Genome position (GRCh38, 1-based): chr17:65,536,943, C>T on the plus strand (G>A on the coding strand, the complement: AXIN2 is on the minus strand). VCF-style: chr17-65536943-C-T. GRCh37 (hg19) VCF-style: chr17-63533061-C-T.
Other names: c.1712+381G>A (NM_001363813.1); c.1833G>A (LRG_296t1).
Identifiers: ClinVar variation 517734 (VCV000517734.14), dbSNP rs1555577394, ClinGen allele CA501691077.

ClinVar aggregate classification (germline): Benign/Likely benign. Review status: criteria provided, multiple submitters, no conflicts (2 of 4 stars). 5 submissions from 5 submitters: Benign (1); Likely benign (4). Last evaluated 2025-05-04.

Conditions:
Hereditary cancer-predisposing syndrome. Also called: Tumor predisposition; Hereditary neoplastic syndrome; Neoplastic Syndromes, Hereditary; Hereditary Cancer Syndrome. Identifiers: Orphanet 140162, MedGen C0027672, MeSH D009386, MONDO:0015356.
Oligodontia-cancer predisposition syndrome. Also called: TOOTH AGENESIS-COLORECTAL CANCER SYNDROME. Identifiers: Orphanet 300576, MedGen C1837750, MONDO:0012075, OMIM 608615. Disease mechanism: loss of function.

Allele frequency attached by ClinVar (database versions not stated): gnomAD exomes below 0.00001; gnomAD 0.00001; TOPMed 0.00003.
gnomAD v4.1: 4 of 1,613,514 alleles (0.00025%); highest among the groups gnomAD compares: African/African-American, 0.0027%; no homozygotes.

Submissions (5):

Labcorp Genetics (formerly Invitae), Labcorp
Classification: Likely benign for Oligodontia-cancer predisposition syndrome. Last evaluated: 2025-05-04. Review status: criteria provided, single submitter. Criteria: Invitae Variant Classification Sherloc (09022015). Collection method: clinical testing. Allele origin: germline.

Myriad Genetics, Inc.
Classification: Benign for Oligodontia-cancer predisposition syndrome. Last evaluated: 2024-07-08. Review status: criteria provided, single submitter. Criteria: Myriad Autosomal Dominant, Autosomal Recessive and X-Linked Classification Criteria (2023). Collection method: clinical testing. Allele origin: unknown.
Comment: This variant is considered benign. This variant is a silent/synonymous amino acid change and it is not expected to impact splicing.

Sema4
Classification: Likely benign for Hereditary cancer-predisposing syndrome. Last evaluated: 2021-12-28. Review status: criteria provided, single submitter. Criteria: Sema4 Curation Guidelines. Collection method: curation. Allele origin: germline.

Ambry Genetics
Classification: Likely benign for Hereditary cancer-predisposing syndrome. Last evaluated: 2020-05-21. Review status: criteria provided, single submitter. Criteria: Ambry Variant Classification Scheme 2023. Collection method: clinical testing. Allele origin: germline.

GeneDx
Classification: Likely benign. Last evaluated: 2017-02-09. Review status: criteria provided, single submitter. Criteria: GeneDx Variant Classification (06012015). Collection method: clinical testing. Allele origin: germline. Affected: yes.
Comment: This variant is considered likely benign or benign based on one or more of the following criteria: it is a conservative change, it occurs at a poorly conserved position in the protein, it is predicted to be benign by multiple in silico algorithms, and/or has population frequency not consistent with disease.